The following is an entry in ClinVar:

NM_001876.4(CPT1A):c.1723del (p.Gln575fs)

Gene: CPT1A (carnitine palmitoyltransferase 1A; minus strand). Cytogenetic location: 11q13.3.
Variant type: Deletion.
Coding change: c.1723del on transcript NM_001876.4 (MANE Select); coding-DNA position 1723, one base deleted (C; older notation c.1723delC).
Protein change: p.Gln575fs; shifts the reading frame from glutamine 575.
Molecular consequence: frameshift variant.
Genome position (GRCh38, 1-based): chr11:68,773,282, G deleted on the plus strand (C on the coding strand, the reverse complement: CPT1A is on the minus strand); the first of 2 consecutive G bases (chr11:68,773,282-68,773,283); deleting either gives the same sequence. VCF-style (leftmost placement, unchanged base first): chr11-68773281-TG-T. GRCh37 (hg19) VCF-style: chr11-68540749-TG-T.
Other names: c.1723del, p.Gln575fs (NM_001031847.3, NM_001440358.1, NM_001440359.1 and 3 more transcripts); c.1615del, p.Gln539fs (NM_001440363.1); c.1537del, p.Gln513fs (NM_001440365.1); short protein forms Q513fs, Q539fs, Q575fs.
Identifiers: ClinVar variation 5013350 (VCV005013350.1).

ClinVar aggregate classification (germline): Pathogenic (1 of 4 stars; one submission).

Conditions:
Carnitine palmitoyl transferase 1A deficiency. Also called: CPT deficiency, hepatic, type IA; Carnitine palmitoyltransferase type I deficiency; CPT I DEFICIENCY; CPT DEFICIENCY, HEPATIC, TYPE I; Carnitine palmitoyltransferase 1A deficiency. Identifiers: Orphanet 156, MedGen C1829703, MONDO:0009705, OMIM 255120.

Submission:

Myriad Genetics, Inc.
Classification: Pathogenic for Carnitine palmitoyl transferase 1A deficiency. Last evaluated: 2024-07-22. Review status: criteria provided, single submitter. Criteria: Myriad Autosomal Dominant, Autosomal Recessive and X-Linked Classification Criteria (2023). Collection method: clinical testing. Allele origin: unknown.
Comment: NM_001876.3(CPT1A):c.1723delC(Q575Sfs*19) is expected to be pathogenic in the context of carnitine palmitoyltransferase IA deficiency. This variant is predicted to lead to an abnormal or absent protein product due to the creation of a premature termination codon in CPT1A, a gene where loss-of-function variants are known to be pathogenic. Please note: this variant was assessed in the context of healthy population screening.